The following is an entry in ClinVar:

NM_000075.4(CDK4):c.892G>A (p.Asp298Asn)

Genes: TSPAN31 (tetraspanin 31; plus strand), CDK4 (cyclin dependent kinase 4; minus strand). Cytogenetic location: 12q14.1.
Variant type: single nucleotide variant.
Coding change: c.892G>A on transcript NM_000075.4 (MANE Select); coding-DNA position 892, G replaced by A.
Protein change: p.Asp298Asn; replaces aspartic acid 298 with asparagine.
Molecular consequence: missense variant. On other transcripts: 3 prime UTR variant (3).
Genome position (GRCh38, 1-based): chr12:57,748,545, C>T on the plus strand (G>A on the coding strand, the complement: CDK4 is on the minus strand). VCF-style: chr12-57748545-C-T. GRCh37 (hg19) VCF-style: chr12-58142328-C-T.
Other names: c.*1255C>T (NM_001330168.2, NM_001330169.2, NM_005981.5); short protein forms D298N.
Identifiers: ClinVar variation 959033 (VCV000959033.16), dbSNP rs1367425262, ClinGen allele CA385542243.
Genomic context (GRCh38, chr12:57,748,545, plus strand): 5'-ATGGCAGCTTTTCTTCCTTCCATGGCAGCCACTCCATTGCTCACTCCGGATTACCTTCAT[C>T]CTTATGTAGATAAGAGTGCTGCAGAGCTCGAAAGGCAGAGATTCGCTTGTGTGGGTTAAA-3'
Protein context (NP_000066.1, residues 288-303): RALQHSYLHK[Asp298Asn]EGNPE

ClinVar aggregate classification (germline): Conflicting classifications of pathogenicity. Review status: criteria provided, conflicting classifications (1 of 4 stars). 3 submissions from 3 submitters: Uncertain significance (2); Likely benign (1). Last evaluated 2025-10-01.

Conditions:
Familial melanoma. Also called: Hereditary melanoma; Hereditary cutaneous melanoma. Identifiers: Orphanet 618, MedGen C1512419, MONDO:0018961.
Hereditary cancer-predisposing syndrome. Also called: Tumor predisposition; Hereditary neoplastic syndrome; Neoplastic Syndromes, Hereditary; Hereditary Cancer Syndrome. Identifiers: Orphanet 140162, MedGen C0027672, MeSH D009386, MONDO:0015356.

Allele frequency attached by ClinVar (database versions not stated): gnomAD exomes below 0.00001; gnomAD 0.00001; TOPMed 0.00001.

Submissions (3):

Labcorp Genetics (formerly Invitae), Labcorp
Classification: Uncertain significance for Familial melanoma. Last evaluated: 2025-10-01. Review status: criteria provided, single submitter. Criteria: Invitae Variant Classification Sherloc (09022015). Collection method: clinical testing. Allele origin: germline.
Comment: This sequence change replaces aspartic acid, which is acidic and polar, with asparagine, which is neutral and polar, at codon 298 of the CDK4 protein (p.Asp298Asn). This variant is present in population databases (no rsID available, gnomAD 0.007%). This variant has not been reported in the literature in individuals affected with CDK4-related conditions. ClinVar contains an entry for this variant (Variation ID: 959033). Invitae Evidence Modeling of protein sequence and biophysical properties (such as structural, functional, and spatial information, amino acid conservation, physicochemical variation, residue mobility, and thermodynamic stability) indicates that this missense variant is not expected to disrupt CDK4 protein function with a negative predictive value of 95%. In summary, the available evidence is currently insufficient to determine the role of this variant in disease. Therefore, it has been classified as a Variant of Uncertain Significance.

Ambry Genetics
Classification: Likely benign for Hereditary cancer-predisposing syndrome. Last evaluated: 2025-08-18. Review status: criteria provided, single submitter. Criteria: Ambry Variant Classification Scheme 2023. Collection method: clinical testing. Allele origin: germline.

GeneDx
Classification: Uncertain significance. Last evaluated: 2020-06-01. Review status: criteria provided, single submitter. Criteria: GeneDx Variant Classification Process June 2021. Collection method: clinical testing. Allele origin: germline. Affected: yes.
Comment: Not observed at a significant frequency in large population cohorts (Lek 2016); In silico analysis supports that this missense variant does not alter protein structure/function; Has not been previously published as pathogenic or benign to our knowledge